The following is an entry in ClinVar:

ClinVar aggregate classification (germline): Uncertain significance (1 of 4 stars; one submission).

Conditions:
Noonan syndrome 9 (NS9). Identifiers: Orphanet 648, MedGen C4225282, MONDO:0014691, OMIM 616559.

Submission:

Labcorp Genetics (formerly Invitae), Labcorp
Classification: Uncertain significance for Noonan syndrome 9. Last evaluated: 2025-11-21. Review status: criteria provided, single submitter. Criteria: Invitae Variant Classification Sherloc (09022015). Collection method: clinical testing. Allele origin: germline.
Comment: This sequence change replaces isoleucine, which is neutral and non-polar, with threonine, which is neutral and polar, at codon 750 of the SOS2 protein (p.Ile750Thr). This variant is not present in population databases (gnomAD no frequency). This variant has not been reported in the literature in individuals affected with SOS2-related conditions. ClinVar contains an entry for this variant (Variation ID: 3703778). Invitae Evidence Modeling of protein sequence and biophysical properties (such as structural, functional, and spatial information, amino acid conservation, physicochemical variation, residue mobility, and thermodynamic stability) indicates that this missense variant is not expected to disrupt SOS2 protein function with a negative predictive value of 95%. In summary, the available evidence is currently insufficient to determine the role of this variant in disease. Therefore, it has been classified as a Variant of Uncertain Significance.

NM_006939.4(SOS2):c.2249T>C (p.Ile750Thr)

Gene: SOS2 (SOS Ras/Rho guanine nucleotide exchange factor 2; minus strand). Cytogenetic location: 14q21.3.
Variant type: single nucleotide variant.
Coding change: c.2249T>C on transcript NM_006939.4 (MANE Select); coding-DNA position 2249, T replaced by C.
Protein change: p.Ile750Thr; replaces isoleucine 750 with threonine.
Molecular consequence: missense variant.
Genome position (GRCh38, 1-based): chr14:50,150,143, A>G on the plus strand (T>C on the coding strand, the complement: SOS2 is on the minus strand). VCF-style: chr14-50150143-A-G. GRCh37 (hg19) VCF-style: chr14-50616861-A-G.
Other names: c.2150T>C, p.Ile717Thr (NM_001411020.1); short protein forms I717T, I750T.
Identifiers: ClinVar variation 3703778 (VCV003703778.2).